The following is an entry in ClinVar:

ClinVar aggregate classification (germline): Conflicting classifications of pathogenicity. Review status: criteria provided, conflicting classifications (1 of 4 stars). 3 submissions from 3 submitters: Uncertain significance (2); Likely benign (1). Last evaluated 2025-07-08.

Conditions:
CREBBP-related disorder. Also called: CREBBP-related condition; CREBBP-related disorders.
Rubinstein-Taybi syndrome (RSTS). Identifiers: Orphanet 783, MedGen C0035934, MONDO:0019188.
Inborn genetic diseases. Identifiers: MedGen C0950123, MeSH D030342.

Allele frequency attached by ClinVar (database versions not stated): gnomAD exomes below 0.00001; ExAC 0.00002; gnomAD 0.00003; TOPMed 0.00003.
gnomAD v4.1: 12 of 1,614,066 alleles (0.00074%); highest among the groups gnomAD compares: African/African-American, 0.0067%; no homozygotes.

Submissions (3):

PreventionGenetics, part of Exact Sciences
Classification: Uncertain significance for CREBBP-related condition. Last evaluated: 2025-07-08. Review status: criteria provided, single submitter. Criteria: ACMG Guidelines, 2015. Collection method: clinical testing. Allele origin: germline.
Comment: The CREBBP c.2224C>T variant is predicted to result in the amino acid substitution p.Arg742Cys. To our knowledge, this variant has not been reported in the literature. This variant is reported in 0.0062% of alleles in individuals of African descent in gnomAD. At this time, the clinical significance of this variant is uncertain due to the absence of conclusive functional and genetic evidence.

Ambry Genetics
Classification: Uncertain significance for Inborn genetic diseases. Last evaluated: 2025-06-07. Review status: criteria provided, single submitter. Criteria: Ambry Variant Classification Scheme 2023. Collection method: clinical testing. Allele origin: germline.

Labcorp Genetics (formerly Invitae), Labcorp
Classification: Likely benign for Rubinstein-Taybi syndrome. Last evaluated: 2024-08-05. Review status: criteria provided, single submitter. Criteria: Invitae Variant Classification Sherloc (09022015). Collection method: clinical testing. Allele origin: germline.

NM_004380.3(CREBBP):c.2224C>T (p.Arg742Cys)

Gene: CREBBP (CREB binding lysine acetyltransferase; minus strand). Cytogenetic location: 16p13.3.
Variant type: single nucleotide variant.
Coding change: c.2224C>T on transcript NM_004380.3 (MANE Select); coding-DNA position 2224, C replaced by T.
Protein change: p.Arg742Cys; replaces arginine 742 with cysteine.
Molecular consequence: missense variant.
Genome position (GRCh38, 1-based): chr16:3,774,628, G>A on the plus strand (C>T on the coding strand, the complement: CREBBP is on the minus strand). VCF-style: chr16-3774628-G-A. GRCh37 (hg19) VCF-style: chr16-3824629-G-A.
Other names: c.2224C>T (NM_004380.2); c.2110C>T, p.Arg704Cys (NM_001079846.1); short protein forms R704C, R742C.
Identifiers: ClinVar variation 2902206 (VCV002902206.5), dbSNP rs778882385, ClinGen allele CA7870210.